The following is an entry in ClinVar:

ClinVar aggregate classification (germline): Uncertain significance. Review status: criteria provided, multiple submitters, no conflicts (2 of 4 stars). 3 submissions from 3 submitters: Uncertain significance (3). Last evaluated 2026-02-18.

Allele frequency attached by ClinVar (database versions not stated): ExAC 0.00006; TOPMed 0.00019; gnomAD exomes 0.00011; 1000 Genomes Project 0.00020; ESP Exome Variant Server 0.00008; 1000 Genomes Project 30x 0.00031; gnomAD 0.00010.

Submissions (3):

GeneDx
Classification: Uncertain significance. Last evaluated: 2026-02-18. Review status: criteria provided, single submitter. Criteria: GeneDx Variant Classification Process June 2021. Collection method: clinical testing. Allele origin: germline.
Comment: In silico analysis suggests that this missense variant does not alter protein structure/function; Has not been previously published as pathogenic or benign to our knowledge; Variants in candidate genes are classified as variants of uncertain significance in accordance with ACMG guidelines (PMID: 25741868)

Ambry Genetics
Classification: Uncertain significance. Last evaluated: 2025-12-09. Review status: criteria provided, single submitter. Criteria: Ambry Variant Classification Scheme 2023. Collection method: clinical testing. Allele origin: germline.

Labcorp Genetics (formerly Invitae), Labcorp
Classification: Uncertain significance. Last evaluated: 2024-04-15. Review status: criteria provided, single submitter. Criteria: Invitae Variant Classification Sherloc (09022015). Collection method: clinical testing. Allele origin: germline.
Comment: This sequence change replaces histidine, which is basic and polar, with arginine, which is basic and polar, at codon 27 of the TRMT10C protein (p.His27Arg). This variant is present in population databases (rs185404702, gnomAD 0.06%), and has an allele count higher than expected for a pathogenic variant. This variant has not been reported in the literature in individuals affected with TRMT10C-related conditions. ClinVar contains an entry for this variant (Variation ID: 1404011). An algorithm developed to predict the effect of missense changes on protein structure and function (PolyPhen-2) suggests that this variant is likely to be tolerated. In summary, the available evidence is currently insufficient to determine the role of this variant in disease. Therefore, it has been classified as a Variant of Uncertain Significance.

NM_017819.4(TRMT10C):c.80A>G (p.His27Arg)

Gene: TRMT10C (tRNA methyltransferase 10C, mitochondrial RNase P subunit; plus strand). Cytogenetic location: 3q12.3.
Variant type: single nucleotide variant.
Coding change: c.80A>G on transcript NM_017819.4 (MANE Select); coding-DNA position 80, A replaced by G.
Protein change: p.His27Arg; replaces histidine 27 with arginine.
Molecular consequence: missense variant.
Genome position (GRCh38, 1-based): chr3:101,564,861, A>G. VCF-style: chr3-101564861-A-G. GRCh37 (hg19) VCF-style: chr3-101283705-A-G.
Other names: c.80A>G (NM_017819.2, NM_017819.3); short protein forms H27R.
Identifiers: ClinVar variation 1404011 (VCV001404011.9), dbSNP rs185404702, ClinGen allele CA2520466.